The following is an entry in ClinVar:

NM_138694.4(PKHD1):c.8467_8468insGATTTCTAAGAAAATTCCTTAGAAAAGG (p.Glu2823fs)

Gene: PKHD1 (PKHD1 ciliary IPT domain containing fibrocystin/polyductin; minus strand). Cytogenetic location: 6p12.3.
Variant type: Insertion.
Coding change: c.8467_8468insGATTTCTAAGAAAATTCCTTAGAAAAGG on transcript NM_138694.4 (MANE Select); coding-DNA positions 8467 to 8468, GATTTCTAAGAAAATTCCTTAGAAAAGG inserted.
Protein change: p.Glu2823fs; shifts the reading frame from glutamic acid 2823.
Molecular consequence: frameshift variant.
Genome position: GRCh38 VCF-style: chr6-51775894-T-TCCTTTTCTAAGGAATTTTCTTAGAAATC. GRCh37 (hg19) VCF-style: chr6-51640692-T-TCCTTTTCTAAGGAATTTTCTTAGAAATC.
Other names: c.8467_8468insGATTTCTAAGAAAATTCCTTAGAAAAGG, p.Glu2823fs (NM_170724.3); short protein forms E2823fs.
Identifiers: ClinVar variation 4816774 (VCV004816774.1).
Genomic context (GRCh38, chr6:51,775,894, plus strand): 5'-CCATTCATACGGTCACAAAAGACTCCCTCTGAGGCTCTAAGGAGAATCAGAAGCTTTTGT[T>TCCTTTTCTAAGGAATTTTCTTAGAAATC]CCTTTTCTAAGGGATTTTCTAAAGTACCTGTTTACAAAGAAAAGTATATCATTCAAATCA-3'

ClinVar aggregate classification (germline): Likely pathogenic (1 of 4 stars; one submission).

Conditions:
Autosomal recessive polycystic kidney disease (ARPKD). Also called: AR polycystic kidney disease. Identifiers: Orphanet 731, Orphanet 8378, MedGen C0085548, MeSH D017044, MONDO:0009889.

Submission:

Natera, Inc.
Classification: Likely pathogenic for Autosomal recessive polycystic kidney disease. Last evaluated: 2025-11-05. Review status: criteria provided, single submitter. Criteria: Natera Variant Classification Schema (03/2026). Collection method: clinical testing. Allele origin: germline.
Comment: The c.8467_8468insGATTTCTAAGAAAATTCCTTAGAAAAGG variant in PKHD1 is a frameshift variant predicted to shift the reading frame beginning at codon 2823 and leads to a stop codon 18 codons downstream. This variant is expected to result in nonsense mediated decay, truncation, or a dysfunctional protein product. This variant is rare in the general population with a frequency below the threshold expected for the associated phenotype(s). Given the available evidence, this variant is classified as Likely Pathogenic.